The following is an entry in ClinVar:

ClinVar aggregate classification (germline): Uncertain significance. Review status: criteria provided, multiple submitters, no conflicts (2 of 4 stars). 2 submissions from 2 submitters: Uncertain significance (2). Last evaluated 2025-06-07.

Conditions:
Inborn genetic diseases. Identifiers: MedGen C0950123, MeSH D030342.

Allele frequency attached by ClinVar (database versions not stated): gnomAD 0.00001; TOPMed 0.00001; ExAC 0.00002; gnomAD exomes 0.00004.
gnomAD v4.1: 53 of 1,612,962 alleles (0.0033%); highest among the groups gnomAD compares: Non-Finnish European, 0.0043%; no homozygotes.

Submissions (2):

Ambry Genetics
Classification: Uncertain significance for Inborn genetic diseases. Last evaluated: 2025-06-07. Review status: criteria provided, single submitter. Criteria: Ambry Variant Classification Scheme 2023. Collection method: clinical testing. Allele origin: germline.

Labcorp Genetics (formerly Invitae), Labcorp
Classification: Uncertain significance. Last evaluated: 2023-07-03. Review status: criteria provided, single submitter. Criteria: Invitae Variant Classification Sherloc (09022015). Collection method: clinical testing. Allele origin: germline.
Comment: This sequence change replaces valine, which is neutral and non-polar, with alanine, which is neutral and non-polar, at codon 1097 of the LCT protein (p.Val1097Ala). This variant is present in population databases (rs757161385, gnomAD 0.003%). In summary, the available evidence is currently insufficient to determine the role of this variant in disease. Therefore, it has been classified as a Variant of Uncertain Significance. Advanced modeling of protein sequence and biophysical properties (such as structural, functional, and spatial information, amino acid conservation, physicochemical variation, residue mobility, and thermodynamic stability) performed at Invitae indicates that this missense variant is not expected to disrupt LCT protein function. This variant has not been reported in the literature in individuals affected with LCT-related conditions.

NM_002299.4(LCT):c.3290T>C (p.Val1097Ala)

Gene: LCT (lactase; minus strand). Cytogenetic location: 2q21.3.
Variant type: single nucleotide variant.
Coding change: c.3290T>C on transcript NM_002299.4 (MANE Select); coding-DNA position 3290, T replaced by C.
Protein change: p.Val1097Ala; replaces valine 1097 with alanine.
Molecular consequence: missense variant.
Genome position (GRCh38, 1-based): chr2:135,809,057, A>G on the plus strand (T>C on the coding strand, the complement: LCT is on the minus strand). VCF-style: chr2-135809057-A-G. GRCh37 (hg19) VCF-style: chr2-136566627-A-G.
Other names: short protein forms V1097A.
Identifiers: ClinVar variation 2709205 (VCV002709205.4), dbSNP rs757161385, ClinGen allele CA1888085.